The following is an entry in ClinVar:

NM_002667.5(PLN):c.36A>G (p.Ile12Met)

Genes: PLN (phospholamban; plus strand), CEP85L (centrosomal protein 85L; minus strand). Cytogenetic location: 6q22.31.
Variant type: single nucleotide variant.
Coding change: c.36A>G on transcript NM_002667.5 (MANE Select); coding-DNA position 36, A replaced by G.
Protein change: p.Ile12Met; replaces isoleucine 12 with methionine.
Molecular consequence: missense variant. On other transcripts: intron variant (3).
Genome position (GRCh38, 1-based): chr6:118,558,957, A>G. VCF-style: chr6-118558957-A-G. GRCh37 (hg19) VCF-style: chr6-118880120-A-G.
Other names: c.1029+6572T>C (NM_001178035.2); c.1020+6572T>C (NM_001042475.3, NM_206921.3); short protein forms I12M.
Identifiers: ClinVar variation 626483 (VCV000626483.11), dbSNP rs774556120, ClinGen allele CA3977971.

ClinVar aggregate classification (germline): Uncertain significance. Review status: criteria provided, multiple submitters, no conflicts (2 of 4 stars). 2 submissions from 2 submitters: Uncertain significance (2). Last evaluated 2026-01-25.

Conditions:
Dilated cardiomyopathy 1P (CMD1P). Identifiers: Orphanet 154, MedGen C1835928, MONDO:0012362, OMIM 609909.
Cardiomyopathy (CMYO). Also called: Cardiomyopathies. Identifiers: Orphanet 167848, MedGen C0878544, MONDO:0004994, HP:0001638. Inheritance: Various modes of inheritance.

Allele frequency attached by ClinVar (database versions not stated): gnomAD exomes below 0.00001 and 0.00002; ExAC 0.00002.
gnomAD v4.1: 5 of 1,613,544 alleles (0.00031%); highest among the groups gnomAD compares: East Asian, 0.011%; no homozygotes.

Submissions (2):

Labcorp Genetics (formerly Invitae), Labcorp
Classification: Uncertain significance for Dilated cardiomyopathy 1P. Last evaluated: 2026-01-25. Review status: criteria provided, single submitter. Criteria: Invitae Variant Classification Sherloc (09022015). Collection method: clinical testing. Allele origin: germline.
Comment: This sequence change replaces isoleucine, which is neutral and non-polar, with methionine, which is neutral and non-polar, at codon 12 of the PLN protein (p.Ile12Met). This variant is present in population databases (rs774556120, gnomAD 0.03%). This missense change has been observed in individual(s) with clinical features of PLN-related conditions (PMID: 30242101). ClinVar contains an entry for this variant (Variation ID: 626483). An algorithm developed to predict the effect of missense changes on protein structure and function (PolyPhen-2) suggests that this variant is likely to be disruptive. In summary, the available evidence is currently insufficient to determine the role of this variant in disease. Therefore, it has been classified as a Variant of Uncertain Significance.

CHEO Genetics Diagnostic Laboratory, Children's Hospital of Eastern Ontario
Classification: Uncertain significance for Cardiomyopathy. Last evaluated: 2016-03-14. Review status: criteria provided, single submitter. Criteria: ACMG Guidelines, 2015. Collection method: clinical testing. Allele origin: germline. Study: Canadian Open Genetics Repository.

Literature cited by the submitters: PubMed 30242101 (cited by Labcorp Genetics (formerly Invitae), Labcorp).